The following is an entry in ClinVar:

NM_018714.3(COG1):c.265C>T (p.Arg89Cys)

Gene: COG1 (component of oligomeric golgi complex 1; plus strand). Cytogenetic location: 17q25.1.
Variant type: single nucleotide variant.
Coding change: c.265C>T on transcript NM_018714.3 (MANE Select); coding-DNA position 265, C replaced by T.
Protein change: p.Arg89Cys; replaces arginine 89 with cysteine.
Molecular consequence: missense variant.
Genome position (GRCh38, 1-based): chr17:73,193,334, C>T. VCF-style: chr17-73193334-C-T. GRCh37 (hg19) VCF-style: chr17-71189473-C-T.
Other names: short protein forms R89C.
Identifiers: ClinVar variation 324958 (VCV000324958.10), dbSNP rs766457949, ClinGen allele CA8739913.

ClinVar aggregate classification (germline): Conflicting classifications of pathogenicity. Review status: criteria provided, conflicting classifications (1 of 4 stars). 5 submissions from 5 submitters: Uncertain significance (4); Likely benign (1). Last evaluated 2024-09-20.

Conditions:
COG1 congenital disorder of glycosylation (CDG2G). Also called: CONGENITAL DISORDER OF GLYCOSYLATION, TYPE IIg; CDG IIg; CDGII/COG1 CEREBROCOSTOMANDIBULAR-LIKE SYNDROME. Identifiers: Orphanet 263508, MedGen C2931011, MONDO:0012637, OMIM 611209.
Inborn genetic diseases. Identifiers: MedGen C0950123, MeSH D030342.

Allele frequency attached by ClinVar (database versions not stated): gnomAD 0.00011 and 0.00012; TOPMed 0.00011; 1000 Genomes Project 30x 0.00016; ExAC below 0.00001; gnomAD exomes 0.00005 and 0.00009.
gnomAD v4.1: 150 of 1,535,092 alleles (0.0098%); highest among the groups gnomAD compares: Middle Eastern, 0.061%; no homozygotes.

Submissions (5):

3billion
Classification: Likely benign for COG1 congenital disorder of glycosylation. Last evaluated: 2024-09-20. Review status: criteria provided, single submitter. Criteria: ACMG Guidelines, 2015. Collection method: clinical testing. Allele origin: germline. Affected: no.
Comment: The homozygous variant was found in patients diagnosed with another variant in a different gene, with no symptoms related to the gene containing the homozygous variant.

Daryl Scott Lab, Baylor College of Medicine
Classification: Uncertain significance for COG1 congenital disorder of glycosylation. Last evaluated: 2024-01-01. Review status: criteria provided, single submitter. Criteria: ACMG Guidelines, 2015. Collection method: clinical testing. Allele origin: biparental. Observed: 1 homozygote.
Comment: PM2

Labcorp Genetics (formerly Invitae), Labcorp
Classification: Uncertain significance for COG1 congenital disorder of glycosylation. Last evaluated: 2022-08-16. Review status: criteria provided, single submitter. Criteria: Invitae Variant Classification Sherloc (09022015). Collection method: clinical testing. Allele origin: germline.
Comment: This sequence change replaces arginine, which is basic and polar, with cysteine, which is neutral and slightly polar, at codon 89 of the COG1 protein (p.Arg89Cys). This variant is present in population databases (rs766457949, gnomAD 0.009%). This variant has not been reported in the literature in individuals affected with COG1-related conditions. ClinVar contains an entry for this variant (Variation ID: 324958). Algorithms developed to predict the effect of missense changes on protein structure and function are either unavailable or do not agree on the potential impact of this missense change (SIFT: "Tolerated"; PolyPhen-2: "Possibly Damaging"; Align-GVGD: "Class C0"). In summary, the available evidence is currently insufficient to determine the role of this variant in disease. Therefore, it has been classified as a Variant of Uncertain Significance.

Ambry Genetics
Classification: Uncertain significance for Inborn genetic diseases. Last evaluated: 2022-04-07. Review status: criteria provided, single submitter. Criteria: Ambry Variant Classification Scheme 2023. Collection method: clinical testing. Allele origin: germline.

Illumina Laboratory Services, Illumina
Classification: Uncertain significance for COG1 congenital disorder of glycosylation. Last evaluated: 2018-01-13. Review status: criteria provided, single submitter. Criteria: ICSL Variant Classification Criteria 13 December 2019. Collection method: clinical testing. Allele origin: germline.